The following is an entry in ClinVar:

ClinVar aggregate classification (germline): Uncertain significance (1 of 4 stars; one submission).

Conditions:
Pitt-Hopkins syndrome (PTHS). Also called: ENCEPHALOPATHY, SEVERE EPILEPTIC, WITH AUTONOMIC DYSFUNCTION; MENTAL RETARDATION, SYNDROMAL, WITH INTERMITTENT HYPERVENTILATION. Identifiers: Orphanet 2896, MedGen C1970431, MONDO:0012589, OMIM 610954.

Submission:

3billion
Classification: Uncertain significance for Pitt-Hopkins syndrome. Last evaluated: 2026-01-27. Review status: criteria provided, single submitter. Criteria: ACMG Guidelines, 2015. Collection method: clinical testing. Allele origin: germline. Affected: yes.
Comment: The variant is not observed in the gnomAD v4.1.0 dataset. Predicted Consequence/Location: Frameshift: predicted to result in a loss or disruption of normal protein function through protein truncation. The predicted truncated protein may be shortened by less than 10%. Therefore, this variant is classified as VUS according to the recommendation of ACMG/AMP guideline.

NM_001083962.2(TCF4):c.1985dup (p.Asp663fs)

Gene: TCF4 (transcription factor 4; minus strand). Cytogenetic location: 18q21.2.
Variant type: Duplication.
Coding change: c.1985dup on transcript NM_001083962.2 (MANE Select); coding-DNA position 1985, one base duplicated (G; older notation c.1985dupG).
Protein change: p.Asp663fs; shifts the reading frame from aspartic acid 663.
Molecular consequence: frameshift variant.
Genome position (GRCh38, 1-based): chr18:55,228,256, C duplicated on the plus strand (G on the coding strand, the reverse complement: TCF4 is on the minus strand); the first of 3 consecutive C bases (chr18:55,228,256-55,228,258); duplicating any one gives the same sequence. VCF-style (leftmost placement, unchanged base first): chr18-55228255-T-TC. GRCh37 (hg19) VCF-style: chr18-52895486-T-TC.
Other names: c.2291dup, p.Asp765fs (NM_001243226.3); c.1913dup, p.Asp639fs (NM_001243227.2, NM_001348217.1, NM_001348218.2 and 1 more transcripts); c.2003dup, p.Asp669fs (NM_001243228.2); c.1964dup, p.Asp656fs (NM_001243230.2); c.1847dup, p.Asp617fs (NM_001243231.2); c.1772dup, p.Asp592fs (NM_001243232.1); c.1583dup, p.Asp529fs (NM_001243233.2, NM_001348212.2); c.1505dup, p.Asp503fs (NM_001243234.2, NM_001348216.2); and 14 more; short protein forms D447fs, D498fs, D499fs, D503fs, D529fs, D533fs, D588fs, D592fs.
Identifiers: ClinVar variation 4855208 (VCV004855208.1).